The following is an entry in ClinVar:

NM_001851.6(COL9A1):c.1342-18_1342-16del

Gene: COL9A1 (collagen type IX alpha 1 chain; minus strand). Cytogenetic location: 6q13.
Variant type: Deletion.
Coding change: c.1342-18_1342-16del on transcript NM_001851.6 (MANE Select); 18 bases into the intron before coding-DNA position 1342 through 16 bases into the intron before coding-DNA position 1342, 3 bases deleted (TTT; older notation c.1342-18_1342-16delTTT).
Molecular consequence: intron variant.
Genome position (GRCh38, 1-based): chr6:70,263,313-70,263,315, AAA deleted on the plus strand (TTT on the coding strand, the reverse complement: COL9A1 is on the minus strand); deleting any 3 consecutive bases within chr6:70,263,313-70,263,318 gives the same sequence; the c. name uses the placement nearest the transcript's 3' end. VCF-style (leftmost placement, unchanged base first): chr6-70263312-GAAA-G. GRCh37 (hg19) VCF-style: chr6-70973015-GAAA-G.
Other names: c.1342-18_1342-16delTTT (NM_001851.6); c.613-18_613-16del (NM_001377290.1, NM_078485.4, NM_001377289.1).
Identifiers: ClinVar variation 1533295 (VCV001533295.11), dbSNP rs759288929, ClinGen allele CA3882265.
Genomic context (GRCh38, chr6:70,263,312, plus strand): 5'-CTTGAGCTCCAACTTCTCCGAGTTCTCCCTGGTCACCTTCTTCACCCTAAAGAAAAAAAA[GAAA>G]AAAGAAAAGCACACCAAATGTTATTCTAGCAAACGAACATAGAAATAGGCTTGGTCTAAC-3'

ClinVar aggregate classification (germline): Likely benign. Review status: criteria provided, multiple submitters, no conflicts (2 of 4 stars). 3 submissions from 3 submitters: Likely benign (3). Last evaluated 2025-09-21.

Submissions (3):

Labcorp Genetics (formerly Invitae), Labcorp
Classification: Likely benign. Last evaluated: 2025-09-21. Review status: criteria provided, single submitter. Criteria: Invitae Variant Classification Sherloc (09022015). Collection method: clinical testing. Allele origin: germline.

Women's Health and Genetics/Laboratory Corporation of America, LabCorp
Classification: Likely benign. Last evaluated: 2024-03-19. Review status: criteria provided, single submitter. Criteria: LabCorp Variant Classification Summary - May 2015. Collection method: clinical testing. Allele origin: germline.
Comment: Variant summary: COL9A1 c.1342-18_1342-16delTTT alters non-conserved nucleotides located at a position not widely known to affect splicing. Consensus agreement among computation tools predict no significant impact on normal splicing. However, these predictions have yet to be confirmed by functional studies. The variant allele was found at a frequency of 8.2e-06 in 243608 control chromosomes. The available data on variant occurrences in the general population are insufficient to allow any conclusion about variant significance. To our knowledge, no occurrence of c.1342-18_1342-16delTTT in individuals affected with COL9A1-Related Disorders and no experimental evidence demonstrating its impact on protein function have been reported. ClinVar contains an entry for this variant (Variation ID: 1533295). Based on the evidence outlined above, the variant was classified as likely benign.

Blueprint Genetics
Classification: Likely benign. Last evaluated: 2023-01-19. Review status: criteria provided, single submitter. Criteria: ACMG Guidelines, 2015. Collection method: clinical testing. Allele origin: germline.